The following is an entry in ClinVar:

ClinVar aggregate classification (germline): Pathogenic (1 of 4 stars; one submission).

Conditions:
Autosomal recessive limb-girdle muscular dystrophy type 2A (LGMDR1). Also called: Calpainopathy; LEYDEN-MOEBIUS MUSCULAR DYSTROPHY; MUSCULAR DYSTROPHY, PELVOFEMORAL; Muscular dystrophy, limb-girdle, type 2A, Amish; Limb-girdle muscular dystrophy, type 2A. Identifiers: Orphanet 267, MedGen C1869123, MONDO:0009675, OMIM 253600. Disease mechanism: loss of function.

Submission:

Natera, Inc.
Classification: Pathogenic for Limb-girdle muscular dystrophy type 2A. Last evaluated: 2024-10-05. Review status: criteria provided, single submitter. Criteria: Natera Variant Classification Schema (03/2026). Collection method: clinical testing. Allele origin: germline.
Comment: The c.1030-2A>C variant in CAPN3 is a canonical splice acceptor site variant predicted to affect pre-mRNA splicing, which may result in an abnormal transcript and altered protein product. This variant is expected to result in nonsense mediated decay, truncation, or a dysfunctional protein product. This variant is rare in the general population with a frequency below the threshold expected for the associated phenotype(s). Another variant at this same site results in an alteration predicted to cause a similar molecular effect has been observed in individual(s) with the associated phenotype. Given the available evidence, this variant is classified as Pathogenic.

NM_000070.3(CAPN3):c.1030-2A>C

Gene: CAPN3 (calpain 3; plus strand). Cytogenetic location: 15q15.1.
Variant type: single nucleotide variant.
Coding change: c.1030-2A>C on transcript NM_000070.3 (MANE Select); the canonical splice acceptor site of the intron before coding-DNA position 1030, A replaced by C.
Molecular consequence: splice acceptor variant.
Genome position (GRCh38, 1-based): chr15:42,394,254, A>C. VCF-style: chr15-42394254-A-C. GRCh37 (hg19) VCF-style: chr15-42686452-A-C.
Other names: c.1030-2A>C (NM_024344.2); c.886-2A>C (NM_173087.2).
Identifiers: ClinVar variation 4816059 (VCV004816059.1).